The following is an entry in ClinVar:

NM_000660.7(TGFB1):c.715T>A (p.Phe239Ile)

Gene: TGFB1 (transforming growth factor beta 1; minus strand). Cytogenetic location: 19q13.2.
Variant type: single nucleotide variant.
Coding change: c.715T>A on transcript NM_000660.7 (MANE Select); coding-DNA position 715, T replaced by A.
Protein change: p.Phe239Ile; replaces phenylalanine 239 with isoleucine.
Molecular consequence: missense variant.
Genome position (GRCh38, 1-based): chr19:41,342,028, A>T on the plus strand (T>A on the coding strand, the complement: TGFB1 is on the minus strand). VCF-style: chr19-41342028-A-T. GRCh37 (hg19) VCF-style: chr19-41847933-A-T.
Other names: short protein forms F239I.
Identifiers: ClinVar variation 1029928 (VCV001029928.9), dbSNP rs569594975, ClinGen allele CA9460004.

ClinVar aggregate classification (germline): Uncertain significance. Review status: criteria provided, multiple submitters, no conflicts (2 of 4 stars). 2 submissions from 2 submitters: Uncertain significance (2). Last evaluated 2026-01-18.

Conditions:
Inflammatory bowel disease, immunodeficiency, and encephalopathy. Identifiers: Orphanet 565788, MedGen C4748708, MONDO:0032601, OMIM 618213.

Allele frequency attached by ClinVar (database versions not stated): gnomAD exomes 0.00001 and 0.00004; gnomAD 0.00003 and 0.00004; TOPMed 0.00004; ExAC 0.00005; 1000 Genomes Project 0.00020; 1000 Genomes Project 30x 0.00031.
gnomAD v4.1: 18 of 1,613,996 alleles (0.0011%); highest among the groups gnomAD compares: East Asian, 0.022%; no homozygotes.

Submissions (2):

Labcorp Genetics (formerly Invitae), Labcorp
Classification: Uncertain significance. Last evaluated: 2026-01-18. Review status: criteria provided, single submitter. Criteria: Invitae Variant Classification Sherloc (09022015). Collection method: clinical testing. Allele origin: germline.
Comment: This sequence change replaces phenylalanine, which is neutral and non-polar, with isoleucine, which is neutral and non-polar, at codon 239 of the TGFB1 protein (p.Phe239Ile). This variant is present in population databases (rs569594975, gnomAD 0.03%). This variant has not been reported in the literature in individuals affected with TGFB1-related conditions. ClinVar contains an entry for this variant (Variation ID: 1029928). An algorithm developed to predict the effect of missense changes on protein structure and function outputs the following: PolyPhen-2: "Benign". The isoleucine amino acid residue is found in multiple mammalian species, which suggests that this missense change does not adversely affect protein function. In summary, the available evidence is currently insufficient to determine the role of this variant in disease. Therefore, it has been classified as a Variant of Uncertain Significance.

Baylor Genetics
Classification: Uncertain significance for Inflammatory bowel disease, immunodeficiency, and encephalopathy. Last evaluated: 2020-03-06. Review status: criteria provided, single submitter. Criteria: ACMG Guidelines, 2015. Collection method: clinical testing. Allele origin: unknown. Affected: yes.
Comment: This variant was determined to be of uncertain significance according to ACMG Guidelines, 2015 [PMID:25741868].